The following is an entry in ClinVar:

NM_000094.4(COL7A1):c.7145C>G (p.Pro2382Arg)

Gene: COL7A1 (collagen type VII alpha 1 chain; minus strand). Cytogenetic location: 3p21.31.
Variant type: single nucleotide variant.
Coding change: c.7145C>G on transcript NM_000094.4 (MANE Select); coding-DNA position 7145, C replaced by G.
Protein change: p.Pro2382Arg; replaces proline 2382 with arginine.
Molecular consequence: missense variant.
Genome position (GRCh38, 1-based): chr3:48,571,120, G>C on the plus strand (C>G on the coding strand, the complement: COL7A1 is on the minus strand). VCF-style: chr3-48571120-G-C. GRCh37 (hg19) VCF-style: chr3-48608553-G-C.
Other names: short protein forms P2382R.
Identifiers: ClinVar variation 1930454 (VCV001930454.2), dbSNP rs758256976, ClinGen allele CA2378632.

ClinVar aggregate classification (germline): Uncertain significance (1 of 4 stars; one submission).

Allele frequency attached by ClinVar (database versions not stated): ExAC 0.00001; gnomAD 0.00001; TOPMed 0.00001.
gnomAD v4.1: 2 of 1,613,936 alleles (0.00012%); highest among the groups gnomAD compares: African/African-American, 0.0027%; no homozygotes.

Submission:

Labcorp Genetics (formerly Invitae), Labcorp
Classification: Uncertain significance. Last evaluated: 2021-02-15. Review status: criteria provided, single submitter. Criteria: Invitae Variant Classification Sherloc (09022015). Collection method: clinical testing. Allele origin: germline.
Comment: This sequence change replaces proline with arginine at codon 2382 of the COL7A1 protein (p.Pro2382Arg). The proline residue is weakly conserved and there is a moderate physicochemical difference between proline and arginine. This variant is present in population databases (rs758256976, ExAC 0.01%). This variant has not been reported in the literature in individuals with COL7A1-related conditions. Advanced modeling of protein sequence and biophysical properties (such as structural, functional, and spatial information, amino acid conservation, physicochemical variation, residue mobility, and thermodynamic stability) performed at Invitae indicates that this missense variant is not expected to disrupt COL7A1 protein function. In summary, the available evidence is currently insufficient to determine the role of this variant in disease. Therefore, it has been classified as a Variant of Uncertain Significance.